The following is an entry in ClinVar:

ClinVar aggregate classification (germline): Uncertain significance (1 of 4 stars; one submission).

Conditions:
Ovarian hyperstimulation syndrome (OHSS). Also called: OVARIAN HYPERSTIMULATION SYNDROME, FAMILIAL GESTATIONAL SPONTANEOUS. Identifiers: Orphanet 64739, MedGen C0085083, MONDO:0011972, OMIM 608115.
Dizygotic twins. Also called: TWINNING, DIZYGOTIC. Identifiers: MedGen C0220761, OMIM 276400.
Ovarian dysgenesis 1 (ODG1). Also called: Gonadal dysgenesis XX type deafness; GONADAL DYSGENESIS, XX TYPE; OVARIAN DYSGENESIS, HYPERGONADOTROPIC, AUTOSOMAL RECESSIVE; OVARIAN DYSGENESIS, HYPERGONADOTROPIC, WITH NORMAL KARYOTYPE; OVARIAN FAILURE, HYPERGONADOTROPIC. Identifiers: Orphanet 243, MedGen C0949595, MONDO:0024463, OMIM 233300.

Submission:

Juno Genomics, Hangzhou Juno Genomics, Inc
Classification: Uncertain significance for Ovarian dysgenesis 1; Ovarian hyperstimulation syndrome; Dizygotic twins. Review status: criteria provided, single submitter. Criteria: ACMG Guidelines, 2015. Collection method: clinical testing. Allele origin: germline. Affected: yes.
Comment: Absent from controls (or at extremely low frequency if recessive) in Genome Aggregation Database, Exome Sequencing Project, 1000 Genomes Project, or Exome Aggregation Consortium.;Multiple lines of computational evidence support a deleterious effect on the gene or gene product (conservation, evolutionary, splicing impact, etc).;Patient's phenotype or family history is highly specific for a disease with a single genetic etiology.

NM_000145.4(FSHR):c.1402T>C (p.Trp468Arg)

Gene: FSHR (follicle stimulating hormone receptor; minus strand). Cytogenetic location: 2p16.3.
Variant type: single nucleotide variant.
Coding change: c.1402T>C on transcript NM_000145.4 (MANE Select); coding-DNA position 1402, T replaced by C.
Protein change: p.Trp468Arg; replaces tryptophan 468 with arginine.
Molecular consequence: missense variant.
Genome position (GRCh38, 1-based): chr2:48,963,419, A>G on the plus strand (T>C on the coding strand, the complement: FSHR is on the minus strand). VCF-style: chr2-48963419-A-G. GRCh37 (hg19) VCF-style: chr2-49190558-A-G.
Other names: c.1324T>C, p.Trp442Arg (NM_181446.3); short protein forms W442R, W468R.
Identifiers: ClinVar variation 3381988 (VCV003381988.2).